The following is an entry in ClinVar:

NM_007037.6(ADAMTS8):c.1444G>T (p.Ala482Ser)

Gene: ADAMTS8 (ADAM metallopeptidase with thrombospondin type 1 motif 8; minus strand). Cytogenetic location: 11q24.3.
Variant type: single nucleotide variant.
Coding change: c.1444G>T on transcript NM_007037.6 (MANE Select); coding-DNA position 1444, G replaced by T.
Protein change: p.Ala482Ser; replaces alanine 482 with serine.
Molecular consequence: missense variant.
Genome position (GRCh38, 1-based): chr11:130,414,653, C>A on the plus strand (G>T on the coding strand, the complement: ADAMTS8 is on the minus strand). VCF-style: chr11-130414653-C-A. GRCh37 (hg19) VCF-style: chr11-130284548-C-A.
Other names: short protein forms A482S.
Identifiers: ClinVar variation 3905080 (VCV003905080.10).
Genomic context (GRCh38, chr11:130,414,653, plus strand): 5'-CGCACGGCGTGCCGTCAGCCCAGGGCAGGCTGCCATTCTTCGTGTGGCACAGGGGCTCAG[C>A]CCCATCAGTGTGGCACCAAAGCTGGGCGCAGACGTCCTGAGCAGAGGTGTTGGGGCAGTG-3'
Protein context (NP_008968.4, residues 472-492): CAQLWCHTDG[Ala482Ser]EPLCHTKNGS

ClinVar aggregate classification (germline): Likely benign (1 of 4 stars; one submission).

gnomAD v4.1: 792 of 1,613,770 alleles (0.049%); highest among the groups gnomAD compares: South Asian, 0.83%; 13 homozygotes.

Submission:

CeGaT Center for Human Genetics Tuebingen
Classification: Likely benign. Last evaluated: 2025-06-01. Review status: criteria provided, single submitter. Criteria: CeGaT Center For Human Genetics Tuebingen Variant Classification Criteria Version 2. Collection method: clinical testing. Allele origin: germline. Affected: yes. Observed: 1 variant allele.
Comment: ADAMTS8: BP4, BS2